The following is an entry in ClinVar:

ClinVar aggregate classification (germline): Uncertain significance (1 of 4 stars; one submission).

gnomAD v4.1: 4 of 1,613,912 alleles (0.00025%); highest among the groups gnomAD compares: South Asian, 0.0022%; no homozygotes.

Submission:

Labcorp Genetics (formerly Invitae), Labcorp
Classification: Uncertain significance. Last evaluated: 2024-09-02. Review status: criteria provided, single submitter. Criteria: Invitae Variant Classification Sherloc (09022015). Collection method: clinical testing. Allele origin: germline.
Comment: This sequence change replaces arginine, which is basic and polar, with histidine, which is basic and polar, at codon 1050 of the EPRS protein (p.Arg1050His). This variant is present in population databases (no rsID available, gnomAD 0.006%). This variant has not been reported in the literature in individuals affected with EPRS-related conditions. An algorithm developed to predict the effect of missense changes on protein structure and function (PolyPhen-2) suggests that this variant is likely to be disruptive. In summary, the available evidence is currently insufficient to determine the role of this variant in disease. Therefore, it has been classified as a Variant of Uncertain Significance.

NM_004446.3(EPRS1):c.3149G>A (p.Arg1050His)

Gene: EPRS1 (glutamyl-prolyl-tRNA synthetase 1; minus strand). Cytogenetic location: 1q41.
Variant type: single nucleotide variant.
Coding change: c.3149G>A on transcript NM_004446.3 (MANE Select); coding-DNA position 3149, G replaced by A.
Protein change: p.Arg1050His; replaces arginine 1050 with histidine.
Molecular consequence: missense variant.
Genome position (GRCh38, 1-based): chr1:219,983,340, C>T on the plus strand (G>A on the coding strand, the complement: EPRS1 is on the minus strand). VCF-style: chr1-219983340-C-T. GRCh37 (hg19) VCF-style: chr1-220156682-C-T.
Other names: short protein forms R1050H.
Identifiers: ClinVar variation 3608182 (VCV003608182.1).